The following is an entry in ClinVar:

NM_182476.3(COQ6):c.1369C>T (p.Pro457Ser)

Genes: COQ6 (coenzyme Q6, monooxygenase; plus strand), ENTPD5 (ectonucleoside triphosphate diphosphohydrolase 5; minus strand). Cytogenetic location: 14q24.3.
Variant type: single nucleotide variant.
Coding change: c.1369C>T on transcript NM_182476.3 (MANE Select); coding-DNA position 1369, C replaced by T.
Protein change: p.Pro457Ser; replaces proline 457 with serine.
Molecular consequence: missense variant. On other transcripts: intron variant (7).
Genome position (GRCh38, 1-based): chr14:73,961,895, C>T. VCF-style: chr14-73961895-C-T. GRCh37 (hg19) VCF-style: chr14-74428598-C-T.
Other names: c.1042C>T, p.Pro348Ser (NM_001425263.1); c.829C>T, p.Pro277Ser (NM_001425264.1, NM_001425265.1); c.1294C>T, p.Pro432Ser (NM_182480.3); c.1210+325C>T (NM_001425255.1); c.1201-6308G>A (NM_001382258.1); c.1201-6067G>A (NM_001382262.1); c.1201-2342G>A (NM_001382260.1, NM_001382259.1, NM_001330189.2); c.1201-345G>A (NM_001321984.2); and 5 more; short protein forms P432S, P457S.
Identifiers: ClinVar variation 1926357 (VCV001926357.4), dbSNP rs1329619686, ClinGen allele CA390379698.

ClinVar aggregate classification (germline): Uncertain significance (1 of 4 stars; one submission).

Allele frequency attached by ClinVar (database versions not stated): gnomAD 0.00001; TOPMed 0.00001.
gnomAD v4.1: 1 of 1,614,018 alleles (0.000062%); highest among the groups gnomAD compares: Non-Finnish European, 0.000085%; no homozygotes.

Submission:

Labcorp Genetics (formerly Invitae), Labcorp
Classification: Uncertain significance. Last evaluated: 2022-06-13. Review status: criteria provided, single submitter. Criteria: Invitae Variant Classification Sherloc (09022015). Collection method: clinical testing. Allele origin: germline.
Comment: In summary, the available evidence is currently insufficient to determine the role of this variant in disease. Therefore, it has been classified as a Variant of Uncertain Significance. Algorithms developed to predict the effect of missense changes on protein structure and function are either unavailable or do not agree on the potential impact of this missense change (SIFT: "Deleterious"; PolyPhen-2: "Benign"; Align-GVGD: "Class C25"). This variant has not been reported in the literature in individuals affected with COQ6-related conditions. This variant is not present in population databases (gnomAD no frequency). This sequence change replaces proline, which is neutral and non-polar, with serine, which is neutral and polar, at codon 457 of the COQ6 protein (p.Pro457Ser).